The following is an entry in ClinVar:

NM_015158.5(KANK1):c.3448G>A (p.Val1150Ile)

Genes: KANK1 (KN motif and ankyrin repeat domains 1; plus strand), LOC126860554 (MED14-independent group 3 enhancer GRCh37_chr9:737889-739088; plus strand). Cytogenetic location: 9p24.3.
Variant type: single nucleotide variant.
Coding change: c.3448G>A on transcript NM_015158.5 (MANE Select); coding-DNA position 3448, G replaced by A.
Protein change: p.Val1150Ile; replaces valine 1150 with isoleucine.
Molecular consequence: missense variant. On other transcripts: non-coding transcript variant (1).
Genome position (GRCh38, 1-based): chr9:738,399, G>A. VCF-style: chr9-738399-G-A. GRCh37 (hg19) VCF-style: chr9-738399-G-A.
Other names: c.3448G>A, p.Val1150Ile (NM_001256876.3, NM_001256877.3, NM_001354334.2); c.3208G>A, p.Val1070Ile (NM_001354331.2); c.3394G>A, p.Val1132Ile (NM_001354332.2); c.2974G>A, p.Val992Ile (NM_001354333.2, NM_001354335.2, NM_001354341.2 and 2 more transcripts); c.2680G>A, p.Val894Ile (NM_001354336.2); c.2920G>A, p.Val974Ile (NM_001354340.2, NM_001354338.2, NM_001354344.2); c.2734G>A, p.Val912Ile (NM_001354339.2, NM_001354342.2, NM_001354343.2); c.3448G>A (NM_015158.2); short protein forms V1132I, V974I, V1070I, V912I, V1150I, V894I, V992I.
Identifiers: ClinVar variation 2958603 (VCV002958603.4), dbSNP rs367609791, ClinGen allele CA4960962.

ClinVar aggregate classification (germline): Conflicting classifications of pathogenicity. Review status: criteria provided, conflicting classifications (1 of 4 stars). 2 submissions from 2 submitters: Uncertain significance (1); Likely benign (1). Last evaluated 2025-07-01.

gnomAD v4.1: 10 of 1,613,996 alleles (0.00062%); highest among the groups gnomAD compares: Admixed American, 0.017%; 1 homozygote.

Submissions (2):

Ambry Genetics
Classification: Likely benign. Last evaluated: 2025-07-01. Review status: criteria provided, single submitter. Criteria: Ambry Variant Classification Scheme 2023. Collection method: clinical testing. Allele origin: germline.

Labcorp Genetics (formerly Invitae), Labcorp
Classification: Uncertain significance. Last evaluated: 2025-05-11. Review status: criteria provided, single submitter. Criteria: Invitae Variant Classification Sherloc (09022015). Collection method: clinical testing. Allele origin: germline.
Comment: This sequence change replaces valine, which is neutral and non-polar, with isoleucine, which is neutral and non-polar, at codon 1150 of the KANK1 protein (p.Val1150Ile). This variant is present in population databases (rs367609791, gnomAD 0.02%). This variant has not been reported in the literature in individuals affected with KANK1-related conditions. ClinVar contains an entry for this variant (Variation ID: 2958603). Invitae Evidence Modeling of protein sequence and biophysical properties (such as structural, functional, and spatial information, amino acid conservation, physicochemical variation, residue mobility, and thermodynamic stability) indicates that this missense variant is expected to disrupt KANK1 protein function with a positive predictive value of 80%. In summary, the available evidence is currently insufficient to determine the role of this variant in disease. Therefore, it has been classified as a Variant of Uncertain Significance.